The following is an entry in ClinVar:

NM_007118.4(TRIO):c.541A>G (p.Thr181Ala)

Gene: TRIO (trio Rho guanine nucleotide exchange factor; plus strand). Cytogenetic location: 5p15.2.
Variant type: single nucleotide variant.
Coding change: c.541A>G on transcript NM_007118.4 (MANE Select); coding-DNA position 541, A replaced by G.
Protein change: p.Thr181Ala; replaces threonine 181 with alanine.
Molecular consequence: missense variant. On other transcripts: non-coding transcript variant (1).
Genome position (GRCh38, 1-based): chr5:14,290,716, A>G. VCF-style: chr5-14290716-A-G. GRCh37 (hg19) VCF-style: chr5-14290825-A-G.
Other names: short protein forms T181A.
Identifiers: ClinVar variation 3388936 (VCV003388936.14).

ClinVar aggregate classification (germline): Uncertain significance (1 of 4 stars; one submission).

Submission:

CeGaT Center for Human Genetics Tuebingen
Classification: Uncertain significance. Last evaluated: 2024-09-01. Review status: criteria provided, single submitter. Criteria: CeGaT Center For Human Genetics Tuebingen Variant Classification Criteria Version 2. Collection method: clinical testing. Allele origin: germline. Affected: yes. Observed: 1 variant allele.
Comment: TRIO: PM2, PP3